The following is an entry in ClinVar:

NM_001040151.2(SCN3B):c.226G>C (p.Glu76Gln)

Gene: SCN3B (sodium voltage-gated channel beta subunit 3; minus strand). Cytogenetic location: 11q24.1.
Variant type: single nucleotide variant.
Coding change: c.226G>C on transcript NM_001040151.2 (MANE Select); coding-DNA position 226, G replaced by C.
Protein change: p.Glu76Gln; replaces glutamic acid 76 with glutamine.
Molecular consequence: missense variant.
Genome position (GRCh38, 1-based): chr11:123,642,665, C>G on the plus strand (G>C on the coding strand, the complement: SCN3B is on the minus strand). VCF-style: chr11-123642665-C-G. GRCh37 (hg19) VCF-style: chr11-123513373-C-G.
Other names: c.226G>C, p.Glu76Gln (NM_018400.4); short protein forms E76Q.
Identifiers: ClinVar variation 3950938 (VCV003950938.1).

ClinVar aggregate classification (germline): Uncertain significance (1 of 4 stars; one submission).

Conditions:
Cardiovascular phenotype. Identifiers: MedGen CN230736.

gnomAD v4.1: 1 of 1,613,460 alleles (0.000062%); highest among the groups gnomAD compares: Non-Finnish European, 0.000085%; no homozygotes.

Submission:

Ambry Genetics
Classification: Uncertain significance for Cardiovascular phenotype. Last evaluated: 2025-05-08. Review status: criteria provided, single submitter. Criteria: Ambry Variant Classification Scheme 2023. Collection method: clinical testing. Allele origin: germline.
Comment: The p.E76Q variant (also known as c.226G>C), located in coding exon 3 of the SCN3B gene, results from a G to C substitution at nucleotide position 226. The glutamic acid at codon 76 is replaced by glutamine, an amino acid with highly similar properties. This amino acid position is conserved. In addition, this alteration is predicted to be tolerated by in silico analysis. Based on the available evidence, the clinical significance of this variant remains unclear.